The following is an entry in ClinVar:

ClinVar aggregate classification (germline): Uncertain significance (1 of 4 stars; one submission).

Allele frequency attached by ClinVar (database versions not stated): gnomAD exomes below 0.00001.
gnomAD v4.1: 1 of 1,613,996 alleles (0.000062%); no homozygotes.

Submission:

Labcorp Genetics (formerly Invitae), Labcorp
Classification: Uncertain significance. Last evaluated: 2020-12-25. Review status: criteria provided, single submitter. Criteria: Invitae Variant Classification Sherloc (09022015). Collection method: clinical testing. Allele origin: germline.
Comment: In summary, the available evidence is currently insufficient to determine the role of this variant in disease. Therefore, it has been classified as a Variant of Uncertain Significance. Algorithms developed to predict the effect of missense changes on protein structure and function are either unavailable or do not agree on the potential impact of this missense change (SIFT: "Deleterious"; PolyPhen-2: "Probably Damaging"; Align-GVGD: "Class C0"). This variant has not been reported in the literature in individuals with POLE-related conditions. This variant is not present in population databases (ExAC no frequency). This sequence change replaces alanine with glycine at codon 430 of the POLE protein (p.Ala430Gly). The alanine residue is highly conserved and there is a small physicochemical difference between alanine and glycine.

NM_006231.4(POLE):c.1289C>G (p.Ala430Gly)

Gene: POLE (DNA polymerase epsilon, catalytic subunit; minus strand). Cytogenetic location: 12q24.33.
Variant type: single nucleotide variant.
Coding change: c.1289C>G on transcript NM_006231.4 (MANE Select); coding-DNA position 1289, C replaced by G.
Protein change: p.Ala430Gly; replaces alanine 430 with glycine.
Molecular consequence: missense variant.
Genome position (GRCh38, 1-based): chr12:132,673,645, G>C on the plus strand (C>G on the coding strand, the complement: POLE is on the minus strand). VCF-style: chr12-132673645-G-C. GRCh37 (hg19) VCF-style: chr12-133250231-G-C.
Other names: short protein forms A430G.
Identifiers: ClinVar variation 1465140 (VCV001465140.8), dbSNP rs2135999963, ClinGen allele CA387359467.